The following is an entry in ClinVar:

NM_001101426.4(CRPPA):c.881A>G (p.Asp294Gly)

Gene: CRPPA (CDP-L-ribitol pyrophosphorylase A; minus strand). Cytogenetic location: 7p21.2.
Variant type: single nucleotide variant.
Coding change: c.881A>G on transcript NM_001101426.4 (MANE Select); coding-DNA position 881, A replaced by G.
Protein change: p.Asp294Gly; replaces aspartic acid 294 with glycine.
Molecular consequence: missense variant. On other transcripts: non-coding transcript variant (1).
Genome position (GRCh38, 1-based): chr7:16,278,181, T>C on the plus strand (A>G on the coding strand, the complement: CRPPA is on the minus strand). VCF-style: chr7-16278181-T-C. GRCh37 (hg19) VCF-style: chr7-16317806-T-C.
Other names: c.776A>G, p.Asp259Gly (NM_001368197.1); c.731A>G, p.Asp244Gly (NM_001101417.4); short protein forms D294G, D259G, D244G.
Identifiers: ClinVar variation 290098 (VCV000290098.11), dbSNP rs547473863, ClinGen allele CA4169460.

ClinVar aggregate classification (germline): Uncertain significance. Review status: criteria provided, multiple submitters, no conflicts (2 of 4 stars). 5 submissions from 5 submitters: Uncertain significance (5). Last evaluated 2025-08-06.

Conditions:
Autosomal recessive limb-girdle muscular dystrophy type 2U. Also called: MUSCULAR DYSTROPHY, LIMB-GIRDLE, TYPE 2U; Muscular dystrophy-dystroglycanopathy (limb-girdle), type c, 7. Identifiers: Orphanet 352479, MedGen C5190987, MONDO:0014474, OMIM 616052.
Muscular dystrophy-dystroglycanopathy (congenital with brain and eye anomalies), type A, 7. Also called: WALKER-WARBURG SYNDROME OR MUSCLE-EYE-BRAIN DISEASE, ISPD-RELATED; Congenital muscular dystrophy-dystroglycanopathy with brain and eye anomalies, type A7. Identifiers: Orphanet 899, MedGen C3553330, MONDO:0013835, OMIM 614643.

Allele frequency attached by ClinVar (database versions not stated): gnomAD 0.00004 and 0.00007; TOPMed 0.00008; ExAC 0.00010; 1000 Genomes Project 30x 0.00031; 1000 Genomes Project 0.00040.
gnomAD v4.1: 219 of 1,583,684 alleles (0.014%); highest among the groups gnomAD compares: Non-Finnish European, 0.018%; no homozygotes.

Submissions (6):

Ambry Genetics
Classification: Uncertain significance. Last evaluated: 2025-08-06. Review status: criteria provided, single submitter. Criteria: Ambry Variant Classification Scheme 2023. Collection method: clinical testing. Allele origin: germline.

Revvity Omics, Revvity
Classification: Uncertain significance. Last evaluated: 2025-05-06. Review status: criteria provided, single submitter. Criteria: ACMG Guidelines, 2015. Collection method: clinical testing. Allele origin: germline.

Labcorp Genetics (formerly Invitae), Labcorp
Classification: Uncertain significance for Muscular dystrophy-dystroglycanopathy (congenital with brain and eye anomalies), type A, 7; Autosomal recessive limb-girdle muscular dystrophy type 2U. Last evaluated: 2022-10-05. Review status: criteria provided, single submitter. Criteria: Invitae Variant Classification Sherloc (09022015). Collection method: clinical testing. Allele origin: germline.
Comment: This sequence change replaces aspartic acid, which is acidic and polar, with glycine, which is neutral and non-polar, at codon 294 of the ISPD protein (p.Asp294Gly). This variant is present in population databases (rs547473863, gnomAD 0.01%). This variant has not been reported in the literature in individuals affected with ISPD-related conditions. ClinVar contains an entry for this variant (Variation ID: 290098). Advanced modeling of protein sequence and biophysical properties (such as structural, functional, and spatial information, amino acid conservation, physicochemical variation, residue mobility, and thermodynamic stability) performed at Invitae indicates that this missense variant is not expected to disrupt ISPD protein function. Algorithms developed to predict the effect of sequence changes on RNA splicing suggest that this variant may create or strengthen a splice site. In summary, the available evidence is currently insufficient to determine the role of this variant in disease. Therefore, it has been classified as a Variant of Uncertain Significance.

Eurofins Ntd Llc (ga)
Classification: Uncertain significance. Last evaluated: 2016-08-23. Review status: criteria provided, single submitter. Criteria: EGL Classification Definitions 2015. Collection method: clinical testing. Allele origin: germline. Observed: 1 variant allele, 1 heterozygote.

Breakthrough Genomics
Classification: Uncertain significance. Review status: criteria provided, single submitter. Criteria: ACMG Guidelines, 2015. Collection method: not provided. Allele origin: germline. Inheritance: Autosomal recessive inheritance. Affected: yes.

Dr. Peter K. Rogan Lab, Western University
No classification provided (evidence only). Condition: Melanoma. Review status: no classification provided. Collection method: in vitro. Allele origin: not applicable. Functional consequence: retained intron. Not counted in ClinVar's aggregate classification.